The following is an entry in ClinVar:

NM_000222.3(KIT):c.-1G>A

Gene: KIT (KIT proto-oncogene, receptor tyrosine kinase; plus strand). Cytogenetic location: 4q12.
Variant type: single nucleotide variant.
Coding change: c.-1G>A on transcript NM_000222.3 (MANE Select); 1 bases upstream of the start codon, G replaced by A.
Molecular consequence: 5 prime UTR variant.
Genome position (GRCh38, 1-based): chr4:54,658,014, G>A. VCF-style: chr4-54658014-G-A. GRCh37 (hg19) VCF-style: chr4-55524181-G-A.
Other names: c.-1G>A (NM_001093772.2, NM_001385284.1, NM_001385285.1 and 4 more transcripts).
Identifiers: ClinVar variation 2573983 (VCV002573983.2), dbSNP rs2109520619, ClinGen allele CA439290247.

ClinVar aggregate classification (germline): Uncertain significance. Review status: criteria provided, multiple submitters, no conflicts (2 of 4 stars). 2 submissions from 2 submitters: Uncertain significance (2). Last evaluated 2025-11-26.

Conditions:
Hereditary cancer-predisposing syndrome. Also called: Hereditary neoplastic syndrome; Hereditary Cancer Syndrome; Neoplastic Syndromes, Hereditary; Tumor predisposition. Identifiers: Orphanet 140162, MedGen C0027672, MeSH D009386, MONDO:0015356.

Submissions (2):

Ambry Genetics
Classification: Uncertain significance for Hereditary cancer-predisposing syndrome. Last evaluated: 2025-11-26. Review status: criteria provided, single submitter. Criteria: Ambry Variant Classification Scheme 2023. Collection method: clinical testing. Allele origin: germline.
Comment: The c.-1G>A variant is located in the 5' untranslated region (5&rsquo; UTR) of the KIT gene. This variant results from a G to A substitution 1 bases upstream from the first translated codon. This nucleotide position is highly conserved in available vertebrate species. Based on the available evidence, the clinical significance of this variant remains unclear.

GeneDx
Classification: Uncertain significance. Last evaluated: 2023-01-19. Review status: criteria provided, single submitter. Criteria: GeneDx Variant Classification Process June 2021. Collection method: clinical testing. Allele origin: germline. Affected: yes.
Comment: Not observed at significant frequency in large population cohorts (gnomAD); Has not been previously published as pathogenic or benign to our knowledge